The following is an entry in ClinVar:

ClinVar aggregate classification (germline): Likely benign (0 of 4 stars; one submission).

Conditions:
ADGRE2-related disorder. Also called: ADGRE2-related condition.

Allele frequency attached by ClinVar (database versions not stated): gnomAD exomes below 0.00001; ExAC 0.00001; gnomAD 0.00003.
gnomAD v4.1: 10 of 1,614,184 alleles (0.00062%); highest among the groups gnomAD compares: African/African-American, 0.012%; no homozygotes.

Submission:

PreventionGenetics, part of Exact Sciences
Classification: Likely benign for ADGRE2-related condition. Last evaluated: 2021-09-07. Review status: no assertion criteria provided. Collection method: clinical testing. Allele origin: germline.
Comment: This variant is classified as likely benign based on ACMG/AMP sequence variant interpretation guidelines (Richards et al. 2015 PMID: 25741868, with internal and published modifications).

NM_013447.4(ADGRE2):c.782-5T>C

Gene: ADGRE2 (adhesion G protein-coupled receptor E2; minus strand). Cytogenetic location: 19p13.12.
Variant type: single nucleotide variant.
Coding change: c.782-5T>C on transcript NM_013447.4 (MANE Select); 5 bases into the intron before coding-DNA position 782, T replaced by C.
Molecular consequence: intron variant.
Genome position (GRCh38, 1-based): chr19:14,765,575, A>G on the plus strand (T>C on the coding strand, the complement: ADGRE2 is on the minus strand). VCF-style: chr19-14765575-A-G. GRCh37 (hg19) VCF-style: chr19-14876387-A-G.
Other names: c.503-5T>C (NM_152917.2); c.635-5T>C (NM_152916.2); c.782-5T>C (NM_001271052.1).
Identifiers: ClinVar variation 3029902 (VCV003029902.2), dbSNP rs771401972, ClinGen allele CA9257928.